The following is an entry in ClinVar:

ClinVar aggregate classification (germline): Uncertain significance. Review status: criteria provided, single submitter (1 of 4 stars). 2 submissions from 2 submitters: Uncertain significance (1). 1 of the submissions does not count toward it. Last evaluated 2022-09-01.

Conditions:
Cone-rod dystrophy 6 (CORD6). Also called: Cone dystrophy progressive; RETINAL CONE DYSTROPHY 2. Identifiers: Orphanet 1872, MedGen C1866293, MONDO:0011143, OMIM 601777.
Leber congenital amaurosis 1 (LCA1). Also called: Congenital absence of the rods and cones; Leber's congenital tapetoretinal degeneration; Leber's congenital tapetoretinal dysplasia; AMAUROSIS CONGENITA OF LEBER I; RETINAL BLINDNESS, CONGENITAL. Identifiers: Orphanet 65, MedGen C2931258, MONDO:0008764, OMIM 204000.

Allele frequency attached by ClinVar (database versions not stated): gnomAD exomes below 0.00001.
gnomAD v4.1: 2 of 1,608,684 alleles (0.00012%); highest among the groups gnomAD compares: Admixed American, 0.0017%; no homozygotes.

Submissions (2):

Labcorp Genetics (formerly Invitae), Labcorp
Classification: Uncertain significance for Leber congenital amaurosis 1; Cone-rod dystrophy 6. Last evaluated: 2022-09-01. Review status: criteria provided, single submitter. Criteria: Invitae Variant Classification Sherloc (09022015). Collection method: clinical testing. Allele origin: germline.
Comment: In summary, the available evidence is currently insufficient to determine the role of this variant in disease. Therefore, it has been classified as a Variant of Uncertain Significance. This sequence change replaces leucine, which is neutral and non-polar, with proline, which is neutral and non-polar, at codon 844 of the GUCY2D protein (p.Leu844Pro). This variant is present in population databases (no rsID available, gnomAD 0.0009%). This variant has not been reported in the literature in individuals affected with GUCY2D-related conditions. ClinVar contains an entry for this variant (Variation ID: 974644). Algorithms developed to predict the effect of missense changes on protein structure and function are either unavailable or do not agree on the potential impact of this missense change (SIFT: "Deleterious"; PolyPhen-2: "Possibly Damaging"; Align-GVGD: "Class C0").

Laboratory of Genetics in Ophthalmology, Institut Imagine
Classification: Likely pathogenic for Leber congenital amaurosis 1. Review status: no assertion criteria provided. Collection method: research. Allele origin: inherited. Affected: yes. Observed: 2 variant alleles. Not counted in ClinVar's aggregate classification.

NM_000180.4(GUCY2D):c.2531T>C (p.Leu844Pro)

Gene: GUCY2D (guanylate cyclase 2D, retinal; plus strand). Cytogenetic location: 17p13.1.
Variant type: single nucleotide variant.
Coding change: c.2531T>C on transcript NM_000180.4 (MANE Select); coding-DNA position 2531, T replaced by C.
Protein change: p.Leu844Pro; replaces leucine 844 with proline.
Molecular consequence: missense variant.
Genome position (GRCh38, 1-based): chr17:8,014,719, T>C. VCF-style: chr17-8014719-T-C. GRCh37 (hg19) VCF-style: chr17-7918037-T-C.
Other names: short protein forms L844P.
Identifiers: ClinVar variation 974644 (VCV000974644.7), dbSNP rs962715477, ClinGen allele CA287533068.
Genomic context (GRCh38, chr17:8,014,719, plus strand): 5'-TGGAGCAGTACTCTAGTAACCTGGAGGATCTGATCCGGGAGCGCACGGAGGAGCTGGAGC[T>C]GGAAAAGCAGAAGACAGACCGGCTGCTTACACAGATGCTGCCTCCGTGGGTGCCAGTGGG-3'
Protein context (NP_000171.1, residues 834-854): LIRERTEELE[Leu844Pro]EKQKTDRLLT